The following is an entry in ClinVar:

NM_152296.5(ATP1A3):c.1011C>T (p.Thr337=)

Gene: ATP1A3 (ATPase Na+/K+ transporting subunit alpha 3; minus strand). Cytogenetic location: 19q13.2.
Variant type: single nucleotide variant.
Coding change: c.1011C>T on transcript NM_152296.5 (MANE Select); coding-DNA position 1011, C replaced by T.
Protein change: p.Thr337=; no amino-acid change (threonine 337 retained).
Molecular consequence: synonymous variant.
Genome position (GRCh38, 1-based): chr19:41,982,089, G>A on the plus strand (C>T on the coding strand, the complement: ATP1A3 is on the minus strand). VCF-style: chr19-41982089-G-A. GRCh37 (hg19) VCF-style: chr19-42486241-G-A.
Other names: c.1044C>T, p.Thr348= (NM_001256213.2); c.1050C>T, p.Thr350= (NM_001256214.2).
Identifiers: ClinVar variation 329421 (VCV000329421.16), dbSNP rs782312004, ClinGen allele CA9467727.
Genomic context (GRCh38, chr19:41,982,089, plus strand): 5'-CAGGGTTTCTACAGCCTCCAGGTTCTTCACCAGGCAGTTCTTCCGGGCCATGCGCTTGGC[G>A]GTCAGCGTCAGACACACCTGGAGGACGAGCAAGGGCAGGCAAGTTACAGGGACAAGCCCG-3'
Protein context (NP_689509.1, residues 327-347): LATVTVCLTL[Thr337=]AKRMARKNCL

ClinVar aggregate classification (germline): Conflicting classifications of pathogenicity. Review status: criteria provided, conflicting classifications (1 of 4 stars). 4 submissions from 3 submitters: Uncertain significance (2); Likely benign (2). Last evaluated 2026-08-01.

Conditions:
Dystonia 12 (DYT12). Also called: DYT-ATP1A3; Rapid-Onset Dystonia-Parkinsonism (RDP). Identifiers: Orphanet 71517, MedGen C1868681, MONDO:0007496, OMIM 128235.
Alternating hemiplegia of childhood 2 (AHC2). Also called: Alternating Hemiplegia of Childhood (AHC). Identifiers: Orphanet 2131, MedGen C3553788, MONDO:0013900, OMIM 614820.

Allele frequency attached by ClinVar (database versions not stated): ExAC 0.00001; TOPMed 0.00001.
gnomAD v4.1: 16 of 1,614,050 alleles (0.00099%); highest among the groups gnomAD compares: East Asian, 0.0045%; no homozygotes.

Submissions (4):

CeGaT Center for Human Genetics Tuebingen
Classification: Likely benign. Last evaluated: 2026-08-01. Review status: criteria provided, single submitter. Criteria: CeGaT Center For Human Genetics Tuebingen Variant Classification Criteria Version 2. Collection method: clinical testing. Allele origin: germline. Affected: yes. Observed: 1 variant allele.
Comment: ATP1A3: BP4, BP7

Labcorp Genetics (formerly Invitae), Labcorp
Classification: Likely benign for Dystonia 12. Last evaluated: 2024-12-04. Review status: criteria provided, single submitter. Criteria: Invitae Variant Classification Sherloc (09022015). Collection method: clinical testing. Allele origin: germline.

Illumina Laboratory Services, Illumina
Classification: Uncertain significance for Dystonia 12. Last evaluated: 2018-01-12. Review status: criteria provided, single submitter. Criteria: ICSL Variant Classification Criteria 13 December 2019. Collection method: clinical testing. Allele origin: germline.

Illumina Laboratory Services, Illumina
Classification: Uncertain significance for Alternating hemiplegia of childhood 2. Last evaluated: 2018-01-12. Review status: criteria provided, single submitter. Criteria: ICSL Variant Classification Criteria 13 December 2019. Collection method: clinical testing. Allele origin: germline.